The following is an entry in ClinVar:

ClinVar aggregate classification (germline): Benign (1 of 4 stars; one submission).

Allele frequency attached by ClinVar (database versions not stated): gnomAD 0.07084 and 0.07567; 1000 Genomes Project 0.07368; 1000 Genomes Project 30x 0.07730; TOPMed 0.08075.
gnomAD v4.1: 10,729 of 152,184 alleles (7.1%); highest among the groups gnomAD compares: African/African-American, 22%; 1,069 homozygotes.

Submission:

GeneDx
Classification: Benign. Last evaluated: 2018-06-14. Review status: criteria provided, single submitter. Criteria: GeneDx Variant Classification (06012015). Collection method: clinical testing. Allele origin: germline. Affected: yes.
Comment: This variant is considered likely benign or benign based on one or more of the following criteria: it is a conservative change, it occurs at a poorly conserved position in the protein, it is predicted to be benign by multiple in silico algorithms, and/or has population frequency not consistent with disease.

NM_006514.4(SCN10A):c.3352+263C>A

Genes: SCN10A (sodium voltage-gated channel alpha subunit 10; minus strand), LOC110121288 (VISTA enhancer hs2268; plus strand). Cytogenetic location: 3p22.2.
Variant type: single nucleotide variant.
Coding change: c.3352+263C>A on transcript NM_006514.4 (MANE Select); 263 bases into the intron after coding-DNA position 3352, C replaced by A.
Molecular consequence: intron variant.
Genome position (GRCh38, 1-based): chr3:38,723,167, G>T on the plus strand (C>A on the coding strand, the complement: SCN10A is on the minus strand). VCF-style: chr3-38723167-G-T. GRCh37 (hg19) VCF-style: chr3-38764658-G-T.
Other names: c.3058+263C>A (NM_001293307.2); c.3349+263C>A (NM_001293306.2).
Identifiers: ClinVar variation 683806 (VCV000683806.1), dbSNP rs59733668, ClinGen allele CA11524521.